The following is an entry in ClinVar:

ClinVar aggregate classification (germline): Uncertain significance (1 of 4 stars; one submission).

Submission:

Labcorp Genetics (formerly Invitae), Labcorp
Classification: Uncertain significance. Last evaluated: 2025-01-08. Review status: criteria provided, single submitter. Criteria: Invitae Variant Classification Sherloc (09022015). Collection method: clinical testing. Allele origin: germline.
Comment: This sequence change replaces glutamic acid, which is acidic and polar, with glutamine, which is neutral and polar, at codon 113 of the TRIP13 protein (p.Glu113Gln). This variant is present in population databases (rs149813610, gnomAD 0.008%). This variant has not been reported in the literature in individuals affected with TRIP13-related conditions. An algorithm developed to predict the effect of missense changes on protein structure and function (PolyPhen-2) suggests that this variant is likely to be tolerated. In summary, the available evidence is currently insufficient to determine the role of this variant in disease. Therefore, it has been classified as a Variant of Uncertain Significance.

NM_004237.4(TRIP13):c.337G>C (p.Glu113Gln)

Gene: TRIP13 (thyroid hormone receptor interactor 13; plus strand). Cytogenetic location: 5p15.33.
Variant type: single nucleotide variant.
Coding change: c.337G>C on transcript NM_004237.4 (MANE Select); coding-DNA position 337, G replaced by C.
Protein change: p.Glu113Gln; replaces glutamic acid 113 with glutamine.
Molecular consequence: missense variant.
Genome position (GRCh38, 1-based): chr5:896,743, G>C. VCF-style: chr5-896743-G-C. GRCh37 (hg19) VCF-style: chr5-896858-G-C.
Other names: c.337G>C, p.Glu113Gln (NM_001166260.2); short protein forms E113Q.
Identifiers: ClinVar variation 3667927 (VCV003667927.2).
Genomic context (GRCh38, chr5:896,743, plus strand): 5'-TGCACTGTTGCACTTCACATTTTCCAGCTGAATGAAGATGGCCCCAGCAGTGAAAATCTG[G>C]AGGAAGAGACAGAAAACATAATTGCAGCAAATCACTGGGTTCTACCTGCAGGTATGGGGT-3'
Protein context (NP_004228.1, residues 103-123): NEDGPSSENL[Glu113Gln]EETENIIAAN